The following is an entry in ClinVar:

NM_001370259.2(MEN1):c.1523A>C (p.Gln508Pro)

Gene: MEN1 (menin 1; minus strand). Cytogenetic location: 11q13.1.
Variant type: single nucleotide variant.
Coding change: c.1523A>C on transcript NM_001370259.2 (MANE Select); coding-DNA position 1523, A replaced by C.
Protein change: p.Gln508Pro; replaces glutamine 508 with proline.
Molecular consequence: missense variant. On other transcripts: non-coding transcript variant (4).
Genome position (GRCh38, 1-based): chr11:64,804,644, T>G on the plus strand (A>C on the coding strand, the complement: MEN1 is on the minus strand). VCF-style: chr11-64804644-T-G. GRCh37 (hg19) VCF-style: chr11-64572116-T-G.
Other names: c.1538A>C, p.Gln513Pro (NM_000244.4, NM_001407145.1, NM_130800.3 and 4 more transcripts); c.1649A>C, p.Gln550Pro (NM_001370251.2, NM_001407142.1, NM_001407143.1 and 1 more transcripts); c.1523A>C, p.Gln508Pro (NM_001370260.2, NM_001370261.2, NM_001407146.1 and 2 more transcripts); c.1418A>C, p.Gln473Pro (NM_001370262.2, NM_001370263.2, NM_001407148.1 and 1 more transcripts); c.1664A>C, p.Gln555Pro (NM_001407150.1); c.1544A>C, p.Gln515Pro (NM_001407151.1); c.1358A>C, p.Gln453Pro (NM_001407152.1); short protein forms Q513P, Q550P, Q508P, Q515P, Q555P, Q453P, Q473P.
Identifiers: ClinVar variation 2450217 (VCV002450217.2), dbSNP rs2497117328, ClinGen allele CA381178694.

ClinVar aggregate classification (germline): Uncertain significance (1 of 4 stars; one submission).

Conditions:
Hereditary cancer-predisposing syndrome. Also called: Neoplastic Syndromes, Hereditary; Tumor predisposition; Hereditary neoplastic syndrome; Hereditary Cancer Syndrome. Identifiers: Orphanet 140162, MedGen C0027672, MeSH D009386, MONDO:0015356.

Submission:

Ambry Genetics
Classification: Uncertain significance for Hereditary cancer-predisposing syndrome. Last evaluated: 2022-12-05. Review status: criteria provided, single submitter. Criteria: Ambry Variant Classification Scheme 2023. Collection method: clinical testing. Allele origin: germline.
Comment: The p.Q508P variant (also known as c.1523A>C), located in coding exon 9 of the MEN1 gene, results from an A to C substitution at nucleotide position 1523. The glutamine at codon 508 is replaced by proline, an amino acid with similar properties. This amino acid position is conserved. In addition, the in silico prediction for this alteration is inconclusive. Since supporting evidence is limited at this time, the clinical significance of this alteration remains unclear.